The following is an entry in ClinVar:

NM_025136.4(OPA3):c.*5905G>A

Genes: OPA3 (outer mitochondrial membrane lipid metabolism regulator OPA3; minus strand), OPA3-RTN2 (OPA3-RTN2 readthrough; minus strand). Cytogenetic location: 19q13.32.
Variant type: single nucleotide variant.
Coding change: c.*5905G>A on transcript NM_025136.4 (MANE Select); 5905 bases downstream of the stop codon, G replaced by A.
Molecular consequence: 3 prime UTR variant. On other transcripts: intron variant (1).
Genome position (GRCh38, 1-based): chr19:45,547,609, C>T on the plus strand (G>A on the coding strand, the complement: OPA3 is on the minus strand). VCF-style: chr19-45547609-C-T. GRCh37 (hg19) VCF-style: chr19-46050867-C-T.
Other names: c.143-18153G>A (NM_001017989.3).
Identifiers: ClinVar variation 329576 (VCV000329576.6), dbSNP rs116705343, ClinGen allele CA10648848.

ClinVar aggregate classification (germline): Benign/Likely benign. Review status: criteria provided, multiple submitters, no conflicts (2 of 4 stars). 3 submissions from 2 submitters: Benign (1); Likely benign (2). Last evaluated 2021-08-27.

Conditions:
Optic atrophy 3 (OPA3). Also called: OPTIC ATROPHY 3, AUTOSOMAL DOMINANT; Optic atrophy, cataract, and neurologic disorder; Optic atrophy 3 with cataract. Identifiers: Orphanet 67036, MedGen C1833809, MONDO:0008133, OMIM 165300.
3-Methylglutaconic aciduria type 3 (MGCA3). Also called: OPA3, AUTOSOMAL RECESSIVE; OPTIC ATROPHY 3, AUTOSOMAL RECESSIVE; Costeff Syndrome; OPA3-Related 3-Methylglutaconic Aciduria. Identifiers: Orphanet 67047, MedGen C0574084, MONDO:0009787, OMIM 258501.

Allele frequency attached by ClinVar (database versions not stated): gnomAD exomes 0.00098; gnomAD 0.00632 and 0.00675; 1000 Genomes Project 0.00659; 1000 Genomes Project 30x 0.00671; TOPMed 0.00722.
gnomAD v4.1: 955 of 153,346 alleles (0.62%); highest among the groups gnomAD compares: African/African-American, 2.1%; 14 homozygotes.

Submissions (3):

GeneDx
Classification: Likely benign. Last evaluated: 2021-08-27. Review status: criteria provided, single submitter. Criteria: GeneDx Variant Classification Process June 2021. Collection method: clinical testing. Allele origin: germline. Affected: yes.

Illumina Laboratory Services, Illumina
Classification: Likely benign for 3-Methylglutaconic aciduria type 3. Last evaluated: 2018-01-13. Review status: criteria provided, single submitter. Criteria: ICSL Variant Classification Criteria 13 December 2019. Collection method: clinical testing. Allele origin: germline.
Comment: This variant was observed in the ICSL laboratory as part of a predisposition screen in an ostensibly healthy population. It had not been previously curated by ICSL or reported in the Human Gene Mutation Database (HGMD: prior to June 1st, 2018), and was therefore a candidate for classification through an automated scoring system. Utilizing variant allele frequency, disease prevalence and penetrance estimates, and inheritance mode, an automated score was calculated to assess if this variant is too frequent to cause the disease. Based on the score and internal cut-off values, a variant classified as likely benign is not then subjected to further curation. The score for this variant resulted in a classification of likely benign for this disease.

Illumina Laboratory Services, Illumina
Classification: Benign for Optic atrophy 3. Last evaluated: 2018-01-13. Review status: criteria provided, single submitter. Criteria: ICSL Variant Classification Criteria 13 December 2019. Collection method: clinical testing. Allele origin: germline.
Comment: This variant was observed in the ICSL laboratory as part of a predisposition screen in an ostensibly healthy population. It had not been previously curated by ICSL or reported in the Human Gene Mutation Database (HGMD: prior to June 1st, 2018), and was therefore a candidate for classification through an automated scoring system. Utilizing variant allele frequency, disease prevalence and penetrance estimates, and inheritance mode, an automated score was calculated to assess if this variant is too frequent to cause the disease. Based on the score and internal cut-off values, a variant classified as benign is not then subjected to further curation. The score for this variant resulted in a classification of benign for this disease.